The following is an entry in ClinVar:

ClinVar aggregate classification (germline): Uncertain significance. Review status: criteria provided, multiple submitters, no conflicts (2 of 4 stars). 2 submissions from 2 submitters: Uncertain significance (2). Last evaluated 2025-07-21.

Conditions:
Cardiovascular phenotype. Identifiers: MedGen CN230736.

Submissions (2):

Ambry Genetics
Classification: Uncertain significance for Cardiovascular phenotype. Last evaluated: 2025-07-21. Review status: criteria provided, single submitter. Criteria: Ambry Variant Classification Scheme 2023. Collection method: clinical testing. Allele origin: germline.
Comment: The p.E248V variant (also known as c.743A>T), located in coding exon 1 of the ALPK3 gene, results from an A to T substitution at nucleotide position 743. The glutamic acid at codon 248 is replaced by valine, an amino acid with dissimilar properties. This amino acid position is conserved. In addition, this alteration is predicted to be tolerated by in silico analysis. Based on the available evidence, the clinical significance of this variant remains unclear.

Labcorp Genetics (formerly Invitae), Labcorp
Classification: Uncertain significance. Last evaluated: 2024-04-15. Review status: criteria provided, single submitter. Criteria: Invitae Variant Classification Sherloc (09022015). Collection method: clinical testing. Allele origin: germline.
Comment: This sequence change replaces glutamic acid, which is acidic and polar, with valine, which is neutral and non-polar, at codon 248 of the ALPK3 protein (p.Glu248Val). This variant is not present in population databases (gnomAD no frequency). This variant has not been reported in the literature in individuals affected with ALPK3-related conditions. An algorithm developed to predict the effect of missense changes on protein structure and function (PolyPhen-2) suggests that this variant is likely to be disruptive. In summary, the available evidence is currently insufficient to determine the role of this variant in disease. Therefore, it has been classified as a Variant of Uncertain Significance.

NM_020778.5(ALPK3):c.137A>T (p.Glu46Val)

Gene: ALPK3 (alpha kinase 3; plus strand). Cytogenetic location: 15q25.3.
Variant type: single nucleotide variant.
Coding change: c.137A>T on transcript NM_020778.5 (MANE Select); coding-DNA position 137, A replaced by T.
Protein change: p.Glu46Val; replaces glutamic acid 46 with valine.
Molecular consequence: missense variant.
Genome position (GRCh38, 1-based): chr15:84,817,589, A>T. VCF-style: chr15-84817589-A-T. GRCh37 (hg19) VCF-style: chr15-85360820-A-T.
Other names: c.743A>T (NM_020778.4); short protein forms E46V.
Identifiers: ClinVar variation 2817632 (VCV002817632.4), dbSNP rs775198429, ClinGen allele CA393369616.